The following is an entry in ClinVar:

ClinVar aggregate classification (germline): Likely benign. Review status: criteria provided, multiple submitters, no conflicts (2 of 4 stars). 5 submissions from 5 submitters: Likely benign (4). 1 of the submissions does not count toward it. Last evaluated 2025-09-01.

Conditions:
DNHD1-related disorder. Also called: DNHD1-related condition.

Allele frequency attached by ClinVar (database versions not stated): ESP Exome Variant Server 0.00023; gnomAD 0.00075 and 0.00094; TOPMed 0.00098; gnomAD exomes 0.00136 and 0.00204; ExAC 0.00197; 1000 Genomes Project 0.00399; 1000 Genomes Project 30x 0.00453.
gnomAD v4.1: 2,170 of 1,614,246 alleles (0.13%); highest among the groups gnomAD compares: South Asian, 0.76%; 9 homozygotes.

Submissions (5):

CeGaT Center for Human Genetics Tuebingen
Classification: Likely benign. Last evaluated: 2025-09-01. Review status: criteria provided, single submitter. Criteria: CeGaT Center For Human Genetics Tuebingen Variant Classification Criteria Version 2. Collection method: clinical testing. Allele origin: germline. Affected: yes. Observed: 2 variant alleles.
Comment: DNHD1: BP4, BS2

Blueprint Genetics
Classification: Likely benign. Last evaluated: 2024-11-26. Review status: criteria provided, single submitter. Criteria: ACMG Guidelines, 2015. Collection method: clinical testing. Allele origin: germline.

Labcorp Genetics (formerly Invitae), Labcorp
Classification: Likely benign. Last evaluated: 2019-12-31. Review status: criteria provided, single submitter. Criteria: Invitae Variant Classification Sherloc (09022015). Collection method: clinical testing. Allele origin: germline.

Breakthrough Genomics
Classification: Likely benign. Review status: criteria provided, single submitter. Criteria: ACMG Guidelines, 2015. Collection method: not provided. Allele origin: germline. Inheritance: Autosomal recessive inheritance. Affected: yes.

PreventionGenetics, part of Exact Sciences
Classification: Benign for DNHD1-related condition. Last evaluated: 2019-05-30. Review status: no assertion criteria provided. Collection method: clinical testing. Allele origin: germline. Not counted in ClinVar's aggregate classification.
Comment: This variant is classified as benign based on ACMG/AMP sequence variant interpretation guidelines (Richards et al. 2015 PMID: 25741868, with internal and published modifications).

NM_144666.3(DNHD1):c.116A>G (p.Gln39Arg)

Gene: DNHD1 (dynein heavy chain domain 1; plus strand). Cytogenetic location: 11p15.4.
Variant type: single nucleotide variant.
Coding change: c.116A>G on transcript NM_144666.3 (MANE Select); coding-DNA position 116, A replaced by G.
Protein change: p.Gln39Arg; replaces glutamine 39 with arginine.
Molecular consequence: missense variant.
Genome position (GRCh38, 1-based): chr11:6,498,331, A>G. VCF-style: chr11-6498331-A-G. GRCh37 (hg19) VCF-style: chr11-6519561-A-G.
Other names: c.116A>G, p.Gln39Arg (NM_173589.4); short protein forms Q39R.
Identifiers: ClinVar variation 788110 (VCV000788110.31), dbSNP rs140872512, ClinGen allele CA5855274.